The following is an entry in ClinVar:

ClinVar aggregate classification (germline): Likely benign. Review status: criteria provided, single submitter (1 of 4 stars). 2 submissions from 2 submitters: Likely benign (1). 1 of the submissions does not count toward it. Last evaluated 2023-03-14.

Conditions:
Genitopatellar syndrome (GTPTS). Also called: ABSENT PATELLAE, SCROTAL HYPOPLASIA, RENAL ANOMALIES, FACIAL DYSMORPHISM, AND MENTAL RETARDATION; Genitopatellar syndrome (GPS). Identifiers: Orphanet 85201, MedGen C1853566, MONDO:0011640, OMIM 606170.
KAT6B-related disorder. Also called: KAT6B-related disorders; KAT6B-related condition.

Allele frequency attached by ClinVar (database versions not stated): gnomAD 0.00001; gnomAD exomes 0.00002; TOPMed 0.00003.
gnomAD v4.1: 25 of 1,612,752 alleles (0.0016%); highest among the groups gnomAD compares: South Asian, 0.011%; no homozygotes.

Submissions (2):

Labcorp Genetics (formerly Invitae), Labcorp
Classification: Likely benign for Genitopatellar syndrome. Last evaluated: 2023-03-14. Review status: criteria provided, single submitter. Criteria: Invitae Variant Classification Sherloc (09022015). Collection method: clinical testing. Allele origin: germline.

PreventionGenetics, part of Exact Sciences
Classification: Likely benign for KAT6B-related condition. Last evaluated: 2022-07-15. Review status: no assertion criteria provided. Collection method: clinical testing. Allele origin: germline. Not counted in ClinVar's aggregate classification.
Comment: This variant is classified as likely benign based on ACMG/AMP sequence variant interpretation guidelines (Richards et al. 2015 PMID: 25741868, with internal and published modifications).

NM_012330.4(KAT6B):c.3665-20G>A

Gene: KAT6B (lysine acetyltransferase 6B; plus strand). Cytogenetic location: 10q22.2.
Variant type: single nucleotide variant.
Coding change: c.3665-20G>A on transcript NM_012330.4 (MANE Select); 20 bases into the intron before coding-DNA position 3665, G replaced by A.
Molecular consequence: intron variant.
Genome position (GRCh38, 1-based): chr10:75,028,469, G>A. VCF-style: chr10-75028469-G-A. GRCh37 (hg19) VCF-style: chr10-76788227-G-A.
Other names: c.2789-20G>A (NM_001370139.1, NM_001370140.1, NM_001370141.1 and 2 more transcripts); c.3665-20G>A (NM_001370136.1, NM_001370137.1, NM_012330.3); c.3116-20G>A (NM_001370138.1, NM_001256468.2); c.1976-20G>A (NM_001370133.1); c.1580-20G>A (NM_001370134.1); c.2600-20G>A (NM_001370143.1, NM_001370144.1); c.2627-20G>A (NM_001370132.1); c.1322-20G>A (NM_001370135.1).
Identifiers: ClinVar variation 2719650 (VCV002719650.5), dbSNP rs1483845554, ClinGen allele CA594709529.